The following is an entry in ClinVar:

NM_000222.3(KIT):c.1166C>G (p.Thr389Ser)

Gene: KIT (KIT proto-oncogene, receptor tyrosine kinase; plus strand). Cytogenetic location: 4q12.
Variant type: single nucleotide variant.
Coding change: c.1166C>G on transcript NM_000222.3 (MANE Select); coding-DNA position 1166, C replaced by G.
Protein change: p.Thr389Ser; replaces threonine 389 with serine.
Molecular consequence: missense variant.
Genome position (GRCh38, 1-based): chr4:54,709,474, C>G. VCF-style: chr4-54709474-C-G. GRCh37 (hg19) VCF-style: chr4-55575640-C-G.
Other names: c.1166C>G (NM_000222.2); c.1166C>G, p.Thr389Ser (NM_001093772.2, NM_001385285.1, NM_001385286.1); c.1169C>G, p.Thr390Ser (NM_001385284.1, NM_001385288.1, NM_001385290.1 and 1 more transcripts); short protein forms T389S, T390S.
Identifiers: ClinVar variation 1018720 (VCV001018720.10), dbSNP rs1721000810, ClinGen allele CA356902303.
Genomic context (GRCh38, chr4:54,709,474, plus strand): 5'-TTCTTTGTAGATACGTAAGTGAACTTCATCTAACGAGATTAAAAGGCACCGAAGGAGGCA[C>G]TTACACATTCCTAGTGTCCAATTCTGACGTCAATGCTGCCATAGCATTTAATGTTTATGT-3'
Protein context (NP_000213.1, residues 379-399): LTRLKGTEGG[Thr389Ser]YTFLVSNSDV

ClinVar aggregate classification (germline): Uncertain significance. Review status: criteria provided, multiple submitters, no conflicts (2 of 4 stars). 2 submissions from 2 submitters: Uncertain significance (2). Last evaluated 2025-12-24.

Conditions:
Hereditary cancer-predisposing syndrome. Also called: Neoplastic Syndromes, Hereditary; Hereditary Cancer Syndrome; Hereditary neoplastic syndrome; Tumor predisposition. Identifiers: Orphanet 140162, MedGen C0027672, MeSH D009386, MONDO:0015356.
Gastrointestinal stromal tumor. Also called: Gastrointestinal stromal tumor, somatic; Gastrointestinal stroma tumor. Identifiers: Orphanet 44890, MedGen C0238198, MeSH D046152, MONDO:0011719, OMIM 606764, HP:0100723.

Submissions (2):

Ambry Genetics
Classification: Uncertain significance for Hereditary cancer-predisposing syndrome. Last evaluated: 2025-12-24. Review status: criteria provided, single submitter. Criteria: Ambry Variant Classification Scheme 2023. Collection method: clinical testing. Allele origin: germline.
Comment: The p.T389S variant (also known as c.1166C>G), located in coding exon 7 of the KIT gene, results from a C to G substitution at nucleotide position 1166. The threonine at codon 389 is replaced by serine, an amino acid with similar properties. This amino acid position is conserved. In addition, this alteration is predicted to be tolerated by in silico analysis. Based on the available evidence, the clinical significance of this variant remains unclear.

Labcorp Genetics (formerly Invitae), Labcorp
Classification: Uncertain significance for Gastrointestinal stromal tumor. Last evaluated: 2020-04-28. Review status: criteria provided, single submitter. Criteria: Invitae Variant Classification Sherloc (09022015). Collection method: clinical testing. Allele origin: germline.
Comment: This sequence change replaces threonine with serine at codon 389 of the KIT protein (p.Thr389Ser). The threonine residue is moderately conserved and there is a small physicochemical difference between threonine and serine. This variant is not present in population databases (ExAC no frequency). This variant has not been reported in the literature in individuals with KIT-related conditions. Algorithms developed to predict the effect of missense changes on protein structure and function (SIFT, PolyPhen-2, Align-GVGD) all suggest that this variant is likely to be tolerated, but these predictions have not been confirmed by published functional studies and their clinical significance is uncertain. In summary, the available evidence is currently insufficient to determine the role of this variant in disease. Therefore, it has been classified as a Variant of Uncertain Significance.